The following is an entry in ClinVar:

ClinVar aggregate classification (germline): Likely pathogenic (1 of 4 stars; one submission).

Submission:

GeneDx
Classification: Likely pathogenic. Last evaluated: 2016-12-30. Review status: criteria provided, single submitter. Criteria: GeneDx Variant Classification (06012015). Collection method: clinical testing. Allele origin: germline. Affected: yes.
Comment: While the Arg537Gln mutation in the KCNH2 gene has not been reported to our knowledge, a mutation affecting this same codon, Arg537Trp, has been reported in association with LQTS (Bhuiyan Z et al., 2009). Additionally, mutations in nearby residues (Arg534Cys, Val535Met) have been reported in association with LQTS, further supporting the functional importance of this codon and this region of the protein. Arg537Gln results in a non-conservative amino acid substitution of a positively charged Arginine residue with a neutral, polar Glutamine residue at a position that is conserved across species. In silico analysis predicts Arg537Gln is probably damaging to the protein structure/function. Furthermore, Arg537Gln was not observed in approximately 6,500 individuals of European and African American ancestry in the NHLBI Exome Sequencing Project, indicating it is not a common benign variant in these populations.In summary, Arg537Gln in the KCNH2 gene is interpreted as a likely disease-causing mutation

NM_000238.4(KCNH2):c.1610G>A (p.Arg537Gln)

Gene: KCNH2 (potassium voltage-gated channel subfamily H member 2; minus strand). Cytogenetic location: 7q36.1.
Variant type: single nucleotide variant.
Coding change: c.1610G>A on transcript NM_000238.4 (MANE Select); coding-DNA position 1610, G replaced by A.
Protein change: p.Arg537Gln; replaces arginine 537 with glutamine.
Molecular consequence: missense variant.
Genome position (GRCh38, 1-based): chr7:150,951,783, C>T on the plus strand (G>A on the coding strand, the complement: KCNH2 is on the minus strand). VCF-style: chr7-150951783-C-T. GRCh37 (hg19) VCF-style: chr7-150648871-C-T.
Other names: p.R537Q:CGG>CAG; c.590G>A, p.Arg197Gln (NM_001204798.2, NM_172057.3); c.1322G>A, p.Arg441Gln (NM_001406753.1, NM_001406756.1); c.1433G>A, p.Arg478Gln (NM_001406755.1); c.1310G>A, p.Arg437Gln (NM_001406757.1); c.1610G>A, p.Arg537Gln (NM_172056.3); short protein forms R197Q, R537Q, R437Q, R441Q, R478Q.
Identifiers: ClinVar variation 200360 (VCV000200360.4), dbSNP rs794728373, ClinGen allele CA004945.